The following is an entry in ClinVar:

ClinVar aggregate classification (germline): Likely pathogenic (3 of 4 stars; one submission).

Conditions:
Monogenic diabetes. Identifiers: Orphanet 183625, MedGen C3888631, MONDO:0015967.

Submission:

ClinGen Monogenic Diabetes Variant Curation Expert Panel
Classification: Likely pathogenic for Monogenic diabetes. Last evaluated: 2025-10-13. Review status: reviewed by expert panel. Criteria: ClinGen Diabetes ACMG Specifications HNF4A V4.0.0. Collection method: curation. Allele origin: germline. Inheritance: Autosomal dominant inheritance.
Comment: The c.-181G>T p.(?) variant in the hepatocyte nuclear factor 4-alpha gene, HNF4A, is located within the promoter region of HNF1A/HNF1B binding sites, which is defined as critical for the protein’s function by the ClinGen MDEP (PM1). Functional studies demonstrated the c.-181G>T has transactivation activity below 60% of wildtype, indicating that this variant impacts protein function (PS3_Supporting; PMID: 38855865). This variant is absent from gnomAD v2.1.1 and v4.1.0 (PM2_Supporting). This variant was identified in an individual with a clinical history highly specific for HNF4A-monogenic diabetes (MODY probability calculator result >50%, negative genetic testing for HNF1A, and a family history of neonatal hypoglycemia and macrosomia) (PP4_Moderate; PMID: 38855865, internal lab contributors). In summary, c.-181G>T meets the criteria to be classified as likely pathogenic for monogenic diabetes. ACMG/AMP criteria applied, as specified by the ClinGen MDEP VCEP (specification version 4.0.0, approved 10/10/2025): PP4_Moderate, PM1, PM2_Supporting, PS3_Supporting.

NC_000020.11:g.44355624G>T

Gene: HNF4A (hepatocyte nuclear factor 4 alpha; plus strand). Cytogenetic location: 20q13.12.
Variant type: single nucleotide variant.
Genome position: GRCh38 VCF-style: chr20-44355624-G-T. GRCh37 (hg19) VCF-style: chr20-42984264-G-T.
Identifiers: ClinVar variation 2578344 (VCV002578344.2), dbSNP rs2146126966, ClinGen allele CA2573102981.